The following is an entry in ClinVar:

NM_001358530.2(MOCS1):c.20C>G (p.Ser7Cys)

Gene: MOCS1 (molybdenum cofactor synthesis 1; minus strand). Cytogenetic location: 6p21.2.
Variant type: single nucleotide variant.
Coding change: c.20C>G on transcript NM_001358530.2 (MANE Select); coding-DNA position 20, C replaced by G.
Protein change: p.Ser7Cys; replaces serine 7 with cysteine.
Molecular consequence: missense variant. On other transcripts: 5 prime UTR variant (2), non-coding transcript variant (1).
Genome position (GRCh38, 1-based): chr6:39,934,398, G>C on the plus strand (C>G on the coding strand, the complement: MOCS1 is on the minus strand). VCF-style: chr6-39934398-G-C. GRCh37 (hg19) VCF-style: chr6-39902137-G-C.
Other names: c.20C>G, p.Ser7Cys (NM_001075098.4, NM_001358529.2); c.-115C>G (NM_001358531.2, NM_001358533.2); short protein forms S7C.
Identifiers: ClinVar variation 1491740 (VCV001491740.8), dbSNP rs2149429547, ClinGen allele CA364030766.

ClinVar aggregate classification (germline): Uncertain significance (1 of 4 stars; one submission).

Conditions:
Sulfite oxidase deficiency due to molybdenum cofactor deficiency type A. Also called: Molybdenum cofactor deficiency, complementation group A; Molybdenum Cofactor Deficiency A. Identifiers: Orphanet 308386, Orphanet 833, MedGen C1854988, MONDO:0009643, OMIM 252150.

Submission:

Labcorp Genetics (formerly Invitae), Labcorp
Classification: Uncertain significance for Sulfite oxidase deficiency due to molybdenum cofactor deficiency type A. Last evaluated: 2022-06-20. Review status: criteria provided, single submitter. Criteria: Invitae Variant Classification Sherloc (09022015). Collection method: clinical testing. Allele origin: germline.
Comment: This sequence change replaces serine, which is neutral and polar, with cysteine, which is neutral and slightly polar, at codon 7 of the MOCS1 protein (p.Ser7Cys). This variant is not present in population databases (gnomAD no frequency). This variant has not been reported in the literature in individuals affected with MOCS1-related conditions. Algorithms developed to predict the effect of missense changes on protein structure and function are either unavailable or do not agree on the potential impact of this missense change (SIFT: "Tolerated"; PolyPhen-2: "Not Available"; Align-GVGD: "Class C0"). In summary, the available evidence is currently insufficient to determine the role of this variant in disease. Therefore, it has been classified as a Variant of Uncertain Significance.